The following is an entry in ClinVar:

NM_001048174.2(MUTYH):c.221G>T (p.Ser74Ile)

Gene: MUTYH (mutY DNA glycosylase; minus strand). Cytogenetic location: 1p34.1.
Variant type: single nucleotide variant.
Coding change: c.221G>T on transcript NM_001048174.2 (MANE Select); coding-DNA position 221, G replaced by T.
Protein change: p.Ser74Ile; replaces serine 74 with isoleucine.
Molecular consequence: missense variant. On other transcripts: 5 prime UTR variant (6), non-coding transcript variant (7).
Genome position (GRCh38, 1-based): chr1:45,333,456, C>A on the plus strand (G>T on the coding strand, the complement: MUTYH is on the minus strand). VCF-style: chr1-45333456-C-A. GRCh37 (hg19) VCF-style: chr1-45799128-C-A.
Other names: c.305G>T, p.Ser102Ile (NM_001128425.2); c.266G>T, p.Ser89Ile (NM_001293190.2); c.254G>T, p.Ser85Ile (NM_001293191.2, NM_001407077.1); c.-56G>T (NM_001293192.2, NM_001293196.2, NM_001407091.1); c.221G>T, p.Ser74Ile (NM_001293195.2, NM_001407070.1, NM_001407080.1 and 6 more transcripts); c.-51G>T (NM_001350650.2, NM_001350651.2, NM_001407082.1); c.296G>T, p.Ser99Ile (NM_001407069.1, NM_012222.3); c.224G>T, p.Ser75Ile (NM_001407071.1, NM_001407086.1, NM_001407078.1 and 2 more transcripts); and 3 more; short protein forms S74I, S75I, S85I, S102I, S46I, S88I, S89I, S81I.
Identifiers: ClinVar variation 4113591 (VCV004113591.1).

ClinVar aggregate classification (germline): Uncertain significance (1 of 4 stars; one submission).

Conditions:
Hereditary cancer-predisposing syndrome. Also called: Hereditary neoplastic syndrome; Neoplastic Syndromes, Hereditary; Tumor predisposition; Hereditary Cancer Syndrome. Identifiers: Orphanet 140162, MedGen C0027672, MeSH D009386, MONDO:0015356.

Submission:

Ambry Genetics
Classification: Uncertain significance for Hereditary cancer-predisposing syndrome. Last evaluated: 2025-08-27. Review status: criteria provided, single submitter. Criteria: Ambry Variant Classification Scheme 2023. Collection method: clinical testing. Allele origin: germline.
Comment: The p.S102I variant (also known as c.305G>T), located in coding exon 3 of the MUTYH gene, results from a G to T substitution at nucleotide position 305. The serine at codon 102 is replaced by isoleucine, an amino acid with dissimilar properties. This amino acid position is conserved. In addition, the in silico prediction for this alteration is inconclusive. Based on the available evidence, the clinical significance of this variant remains unclear.